The following is an entry in ClinVar:

NM_004304.5(ALK):c.1130T>A (p.Leu377Gln)

Gene: ALK (ALK receptor tyrosine kinase; minus strand). Cytogenetic location: 2p23.2.
Variant type: single nucleotide variant.
Coding change: c.1130T>A on transcript NM_004304.5 (MANE Select); coding-DNA position 1130, T replaced by A.
Protein change: p.Leu377Gln; replaces leucine 377 with glutamine.
Molecular consequence: missense variant.
Genome position (GRCh38, 1-based): chr2:29,531,939, A>T on the plus strand (T>A on the coding strand, the complement: ALK is on the minus strand). VCF-style: chr2-29531939-A-T. GRCh37 (hg19) VCF-style: chr2-29754805-A-T.
Other names: short protein forms L377Q.
Identifiers: ClinVar variation 5035030 (VCV005035030.1).
Genomic context (GRCh38, chr2:29,531,939, plus strand): 5'-GTATAAAATCAATTTTGGACATGGAGAAGTACTTACCCATGCTTCCCTGGAGTGGGCATC[A>T]GGAGGATCTCTCTTGCAGCCTCGTTGTGGGGCAGCAGCTGGGCAATGTACCTTCCAGAGG-3'
Protein context (NP_004295.2, residues 367-387): PHNEAAREIL[Leu377Gln]MPTPGKHGWT

ClinVar aggregate classification (germline): Uncertain significance (1 of 4 stars; one submission).

Conditions:
Hereditary cancer-predisposing syndrome. Also called: Hereditary Cancer Syndrome; Neoplastic Syndromes, Hereditary; Tumor predisposition; Hereditary neoplastic syndrome. Identifiers: Orphanet 140162, MedGen C0027672, MeSH D009386, MONDO:0015356.

Submission:

Ambry Genetics
Classification: Uncertain significance for Hereditary cancer-predisposing syndrome. Last evaluated: 2026-06-24. Review status: criteria provided, single submitter. Criteria: Ambry Variant Classification Scheme 2023. Collection method: clinical testing. Allele origin: germline.
Comment: The p.L377Q variant (also known as c.1130T>A), located in coding exon 4 of the ALK gene, results from a T to A substitution at nucleotide position 1130. The leucine at codon 377 is replaced by glutamine, an amino acid with dissimilar properties. This amino acid position is conserved. In addition, the in silico prediction for this alteration is inconclusive. Based on the available evidence, the clinical significance of this variant remains unclear.